The following is an entry in ClinVar:

NM_198578.4(LRRK2):c.3918T>G (p.Phe1306Leu)

Gene: LRRK2 (leucine rich repeat kinase 2; plus strand). Cytogenetic location: 12q12.
Variant type: single nucleotide variant.
Coding change: c.3918T>G on transcript NM_198578.4 (MANE Select); coding-DNA position 3918, T replaced by G.
Protein change: p.Phe1306Leu; replaces phenylalanine 1306 with leucine.
Molecular consequence: missense variant.
Genome position (GRCh38, 1-based): chr12:40,305,925, T>G. VCF-style: chr12-40305925-T-G. GRCh37 (hg19) VCF-style: chr12-40699727-T-G.
Other names: short protein forms F1306L.
Identifiers: ClinVar variation 4990273 (VCV004990273.1).

ClinVar aggregate classification (germline): Uncertain significance (1 of 4 stars; one submission).

Conditions:
LRRK2-related disorder. Also called: LRRK2-related condition.

gnomAD v4.1: 10 of 1,612,504 alleles (0.00062%); highest among the groups gnomAD compares: African/African-American, 0.013%; no homozygotes.

Submission:

PreventionGenetics, part of Exact Sciences
Classification: Uncertain significance for LRRK2-related condition. Last evaluated: 2024-12-06. Review status: criteria provided, single submitter. Criteria: ACMG Guidelines, 2015. Collection method: clinical testing. Allele origin: germline.
Comment: The LRRK2 c.3918T>G variant is predicted to result in the amino acid substitution p.Phe1306Leu. To our knowledge, this variant has not been reported in the literature. This variant is reported in 0.016% of alleles in individuals of African descent in gnomAD. At this time, the clinical significance of this variant is uncertain due to the absence of conclusive functional and genetic evidence.